The following is an entry in ClinVar:

ClinVar aggregate classification (germline): Uncertain significance (1 of 4 stars; one submission).

gnomAD v4.1: 1 of 1,590,982 alleles (0.000063%); no homozygotes.

Submissions (2):

GeneDx
Classification: Uncertain significance. Last evaluated: 2025-04-28. Review status: criteria provided, single submitter. Criteria: GeneDx Variant Classification Process June 2021. Collection method: clinical testing. Allele origin: germline. Affected: yes.
Comment: Not observed at significant frequency in large population cohorts (gnomAD); In silico analysis supports that this missense variant has a deleterious effect on protein structure/function; In silico analysis supports a deleterious effect on splicing; Has not been previously published as pathogenic or benign to our knowledge

Dr. Peter K. Rogan Lab, Western University
No classification provided (evidence only). Condition: Uterine corpus endometrial carcinoma. Review status: no classification provided. Collection method: in vitro. Allele origin: not applicable. Functional consequence: retained intron. Not counted in ClinVar's aggregate classification.

NM_020795.4(NLGN2):c.1037G>A (p.Arg346His)

Gene: NLGN2 (neuroligin 2; plus strand). Cytogenetic location: 17p13.1.
Variant type: single nucleotide variant.
Coding change: c.1037G>A on transcript NM_020795.4 (MANE Select); coding-DNA position 1037, G replaced by A.
Protein change: p.Arg346His; replaces arginine 346 with histidine.
Molecular consequence: missense variant.
Genome position (GRCh38, 1-based): chr17:7,415,148, G>A. VCF-style: chr17-7415148-G-A. GRCh37 (hg19) VCF-style: chr17-7318467-G-A.
Other names: NC_000017.10:g.7318467G>A; c.1037G>A (NM_020795.3); short protein forms R346H.
Identifiers: ClinVar variation 4426866 (VCV004426866.2).